The following is an entry in ClinVar:

NM_000051.4(ATM):c.5402dup (p.Asn1801fs)

Gene: ATM (ATM serine/threonine kinase; plus strand). Cytogenetic location: 11q22.3.
Variant type: Duplication.
Coding change: c.5402dup on transcript NM_000051.4 (MANE Select); coding-DNA position 5402, one base duplicated (A; older notation c.5402dupA).
Protein change: p.Asn1801fs; shifts the reading frame from asparagine 1801.
Molecular consequence: frameshift variant.
Genome position (GRCh38, 1-based): chr11:108,302,935, A duplicated; the last of 4 consecutive A bases (chr11:108,302,932-108,302,935); duplicating any one gives the same sequence. VCF-style (leftmost placement, unchanged base first): chr11-108302931-G-GA. GRCh37 (hg19) VCF-style: chr11-108173658-G-GA.
Other names: c.5402dupA (NM_000051.3); c.5402dup, p.Asn1801fs (NM_001351834.2); short protein forms N1801fs.
Identifiers: ClinVar variation 485168 (VCV000485168.8), dbSNP rs1555106438, ClinGen allele CA658656254.
Genomic context (GRCh38, chr11:108,302,931, plus strand): 5'-TTTGACAAAGAAAACCCTTTTGAAGGCCTGGATGATATAAATCTGTGGATTCCTCTAAGT[G>GA]AAAATCATGACATTTGGATAAAGACACTGACTTGTGCTTTTTTGGACAGTGGAGGCACAA-3'

ClinVar aggregate classification (germline): Pathogenic. Review status: criteria provided, multiple submitters, no conflicts (2 of 4 stars). 4 submissions from 4 submitters: Pathogenic (4). Last evaluated 2025-02-20.

Conditions:
Familial cancer of breast. Also called: BREAST CANCER, FAMILIAL; Hereditary breast cancer; hereditary breast carcinoma. Identifiers: Orphanet 227535, MedGen C0346153, MONDO:0016419, OMIM 114480. Disease mechanism: loss of function.
Hereditary cancer-predisposing syndrome. Also called: Hereditary neoplastic syndrome; Neoplastic Syndromes, Hereditary; Tumor predisposition; Hereditary Cancer Syndrome. Identifiers: Orphanet 140162, MedGen C0027672, MeSH D009386, MONDO:0015356.
Ataxia-telangiectasia syndrome (AT). Also called: LOUIS-BAR SYNDROME; Cerebello-oculocutaneous telangiectasia; Immunodeficiency with ataxia telangiectasia; AT, COMPLEMENTATION GROUP C; Ataxia-telangiectasia, complementation group D; ATAXIA-TELANGIECTASIA, COMPLEMENTATION GROUP A. Identifiers: Orphanet 100, MedGen C0004135, MONDO:0008840, OMIM 208900.

Submissions (4):

3billion
Classification: Pathogenic for Ataxia-telangiectasia syndrome. Last evaluated: 2025-02-20. Review status: criteria provided, single submitter. Criteria: ACMG Guidelines, 2015. Collection method: clinical testing. Allele origin: germline. Affected: yes.
Comment: The variant is not observed in the gnomAD v4.1.0 dataset. Predicted Consequence/Location: Frameshift: predicted to result in a loss or disruption of normal protein function through nonsense-mediated decay (NMD) or protein truncation. Multiple pathogenic variants are reported downstream of the variant. The variant has been reported at least twice as pathogenic without evidence for the classification (ClinVar ID: VCV000485168). Therefore, this variant is classified as Pathogenic according to the recommendation of ACMG/AMP guideline.

Labcorp Genetics (formerly Invitae), Labcorp
Classification: Pathogenic for Ataxia-telangiectasia syndrome. Last evaluated: 2024-05-27. Review status: criteria provided, single submitter. Criteria: Invitae Variant Classification Sherloc (09022015). Collection method: clinical testing. Allele origin: germline.
Comment: This sequence change creates a premature translational stop signal (p.Asn1801Lysfs*3) in the ATM gene. It is expected to result in an absent or disrupted protein product. Loss-of-function variants in ATM are known to be pathogenic (PMID: 23807571, 25614872). This variant is not present in population databases (gnomAD no frequency). This variant has not been reported in the literature in individuals affected with ATM-related conditions. ClinVar contains an entry for this variant (Variation ID: 485168). For these reasons, this variant has been classified as Pathogenic.

Myriad Genetics, Inc.
Classification: Pathogenic for Familial cancer of breast. Last evaluated: 2024-01-25. Review status: criteria provided, single submitter. Criteria: Myriad Autosomal Dominant, Autosomal Recessive and X-Linked Classification Criteria (2023). Collection method: clinical testing. Allele origin: unknown.
Comment: This variant is considered pathogenic. This variant creates a frameshift predicted to result in premature protein truncation.

Ambry Genetics
Classification: Pathogenic for Hereditary cancer-predisposing syndrome. Last evaluated: 2015-10-26. Review status: criteria provided, single submitter. Criteria: Ambry Variant Classification Scheme 2023. Collection method: clinical testing. Allele origin: germline.
Comment: The c.5402dupA pathogenic mutation, located in coding exon 35 of the ATM gene, results from a duplication of A at nucleotide position 5402, causing a translational frameshift with a predicted alternate stop codon(p.N1801KFS*3). Since frameshifts are typically deleterious in nature, this alteration is interpreted as a disease-causing mutation (ACMG Recommendations for Standards for Interpretation and Reporting of Sequence Variations. Revision 2007. Genet Med. 2008;10:294).

Literature cited by the submitters: PubMed 23807571 (cited by Labcorp Genetics (formerly Invitae), Labcorp); PubMed 25614872 (cited by Labcorp Genetics (formerly Invitae), Labcorp).